The following is an entry in ClinVar:

NM_000156.6(GAMT):c.179A>G (p.Lys60Arg)

Genes: GAMT (guanidinoacetate N-methyltransferase; minus strand), LOC130062945 (ATAC-STARR-seq lymphoblastoid silent region 9707; plus strand). Cytogenetic location: 19p13.3.
Variant type: single nucleotide variant.
Coding change: c.179A>G on transcript NM_000156.6 (MANE Select); coding-DNA position 179, A replaced by G.
Protein change: p.Lys60Arg; replaces lysine 60 with arginine.
Molecular consequence: missense variant.
Genome position (GRCh38, 1-based): chr19:1,401,298, T>C on the plus strand (A>G on the coding strand, the complement: GAMT is on the minus strand). VCF-style: chr19-1401298-T-C. GRCh37 (hg19) VCF-style: chr19-1401297-T-C.
Other names: c.179A>G, p.Lys60Arg (NM_138924.3); short protein forms K60R.
Identifiers: ClinVar variation 568865 (VCV000568865.7), dbSNP rs1228556317, ClinGen allele CA402997975.
Genomic context (GRCh38, chr19:1,401,298, plus strand): 5'-GCCCCGGCCTCAGTTTCCCCTGCGCCCCCGGGGGCGGTGCAGGCCGGGCGGGGGCTACCT[T>C]TGGAGGAGGCGGCGGCGGCCAGCGCGTGCATATAGGGGGTCTCCCAGCGCTCCATCACCG-3'
Protein context (NP_000147.1, residues 50-70): MHALAAAASS[Lys60Arg]GGRVLEVGFG

ClinVar aggregate classification (germline): Uncertain significance. Review status: criteria provided, single submitter (1 of 4 stars). 2 submissions from 2 submitters: Uncertain significance (1). 1 of the submissions does not count toward it. Last evaluated 2022-05-26.

Conditions:
Cerebral creatine deficiency syndrome. Also called: Creatine deficiency syndromes. Identifiers: Orphanet 79172, MedGen C5244016, MONDO:0000456.
Deficiency of guanidinoacetate methyltransferase (CCDS2). Also called: GAMT DEFICIENCY; CEREBRAL CREATINE DEFICIENCY SYNDROME 2; Guanidinoacetate Methyltransferase (GAMT) Deficiency. Identifiers: Orphanet 382, MedGen C0574080, MONDO:0012999, OMIM 612736.

Allele frequency attached by ClinVar (database versions not stated): gnomAD 0.00001; TOPMed 0.00001.
gnomAD v4.1: 14 of 1,504,738 alleles (0.00093%); highest among the groups gnomAD compares: African/African-American, 0.0014%; no homozygotes.

Submissions (2):

Labcorp Genetics (formerly Invitae), Labcorp
Classification: Uncertain significance for Cerebral creatine deficiency syndrome. Last evaluated: 2022-05-26. Review status: criteria provided, single submitter. Criteria: Invitae Variant Classification Sherloc (09022015). Collection method: clinical testing. Allele origin: germline.
Comment: This sequence change replaces lysine, which is basic and polar, with arginine, which is basic and polar, at codon 60 of the GAMT protein (p.Lys60Arg). This variant is not present in population databases (gnomAD no frequency). This variant has not been reported in the literature in individuals affected with GAMT-related conditions. ClinVar contains an entry for this variant (Variation ID: 568865). Algorithms developed to predict the effect of missense changes on protein structure and function output the following: SIFT: "Tolerated"; PolyPhen-2: "Benign"; Align-GVGD: "Class C0". The arginine amino acid residue is found in multiple mammalian species, which suggests that this missense change does not adversely affect protein function. Algorithms developed to predict the effect of sequence changes on RNA splicing suggest that this variant may create or strengthen a splice site. In summary, the available evidence is currently insufficient to determine the role of this variant in disease. Therefore, it has been classified as a Variant of Uncertain Significance.

Natera, Inc.
Classification: Uncertain significance for Guanidinoacetate methyltransferase deficiency. Last evaluated: 2020-09-03. Review status: no assertion criteria provided. Collection method: clinical testing. Allele origin: germline. Not counted in ClinVar's aggregate classification.